The following is an entry in ClinVar:

NM_015559.3(SETBP1):c.652A>G (p.Asn218Asp)

Gene: SETBP1 (SET binding protein 1; plus strand). Cytogenetic location: 18q12.3.
Variant type: single nucleotide variant.
Coding change: c.652A>G on transcript NM_015559.3 (MANE Select); coding-DNA position 652, A replaced by G.
Protein change: p.Asn218Asp; replaces asparagine 218 with aspartic acid.
Molecular consequence: missense variant.
Genome position (GRCh38, 1-based): chr18:44,949,992, A>G. VCF-style: chr18-44949992-A-G. GRCh37 (hg19) VCF-style: chr18-42529957-A-G.
Other names: c.652A>G, p.Asn218Asp (NM_001410862.1, NM_001379141.1, NM_001379142.1); short protein forms N218D.
Identifiers: ClinVar variation 3023869 (VCV003023869.3), dbSNP rs1322369909, ClinGen allele CA402316542.
Genomic context (GRCh38, chr18:44,949,992, plus strand): 5'-CCACAGGACTTCACCGGTGACACCTTAAAACCAAAGCACCAGCAAAAAAGCAGCAGCCAG[A>G]ACCACATGGACTGGTCCACCAACTCTGACAGCGGACCCGTCACTCAGAATTGCTTCATCA-3'
Protein context (NP_056374.2, residues 208-228): PKHQQKSSSQ[Asn218Asp]HMDWSTNSDS

ClinVar aggregate classification (germline): Uncertain significance (1 of 4 stars; one submission).

Allele frequency attached by ClinVar (database versions not stated): TOPMed 0.00001.

Submission:

Labcorp Genetics (formerly Invitae), Labcorp
Classification: Uncertain significance. Last evaluated: 2023-09-24. Review status: criteria provided, single submitter. Criteria: Invitae Variant Classification Sherloc (09022015). Collection method: clinical testing. Allele origin: germline.
Comment: In summary, the available evidence is currently insufficient to determine the role of this variant in disease. Therefore, it has been classified as a Variant of Uncertain Significance. Advanced modeling of protein sequence and biophysical properties (such as structural, functional, and spatial information, amino acid conservation, physicochemical variation, residue mobility, and thermodynamic stability) performed at Invitae indicates that this missense variant is not expected to disrupt SETBP1 protein function. This variant has not been reported in the literature in individuals affected with SETBP1-related conditions. This variant is not present in population databases (gnomAD no frequency). This sequence change replaces asparagine, which is neutral and polar, with aspartic acid, which is acidic and polar, at codon 218 of the SETBP1 protein (p.Asn218Asp).